The following is an entry in ClinVar:

NM_020975.6(RET):c.1339G>C (p.Ala447Pro)

Gene: RET (ret proto-oncogene; plus strand). Cytogenetic location: 10q11.21.
Variant type: single nucleotide variant.
Coding change: c.1339G>C on transcript NM_020975.6 (MANE Select); coding-DNA position 1339, G replaced by C.
Protein change: p.Ala447Pro; replaces alanine 447 with proline.
Molecular consequence: missense variant.
Genome position (GRCh38, 1-based): chr10:43,111,282, G>C. VCF-style: chr10-43111282-G-C. GRCh37 (hg19) VCF-style: chr10-43606730-G-C.
Other names: c.1339G>C, p.Ala447Pro (NM_000323.2, NM_001406743.1, NM_001406744.1 and 6 more transcripts); c.577G>C, p.Ala193Pro (NM_001355216.2); c.1210G>C, p.Ala404Pro (NM_001406761.1, NM_001406762.1, NM_001406764.1 and 1 more transcripts); c.1051G>C, p.Ala351Pro (NM_001406766.1, NM_001406767.1, NM_001406770.1); c.943G>C, p.Ala315Pro (NM_001406769.1, NM_001406772.1); c.901G>C, p.Ala301Pro (NM_001406771.1, NM_001406773.1); c.814G>C, p.Ala272Pro (NM_001406774.1); c.613G>C, p.Ala205Pro (NM_001406775.1, NM_001406776.1, NM_001406777.1 and 1 more transcripts); and 1 more; short protein forms A404P, A447P, A272P, A117P, A205P, A315P, A351P, A193P.
Identifiers: ClinVar variation 1770309 (VCV001770309.2), dbSNP rs2132768249, ClinGen allele CA376549077.
Genomic context (GRCh38, chr10:43,111,282, plus strand): 5'-GTGGAAAACTGCCAGGCATTCAGTGGCATCAACGTCCAGTACAAGCTGCATTCCTCTGGT[G>C]CCAACTGCAGCACGCTAGGGGTGGTCACCTCAGCCGAGGACACCTCGGGGATCCTGTTTG-3'
Protein context (NP_066124.1, residues 437-457): NVQYKLHSSG[Ala447Pro]NCSTLGVVTS

ClinVar aggregate classification (germline): Uncertain significance (1 of 4 stars; one submission).

Conditions:
Hereditary cancer-predisposing syndrome. Also called: Hereditary Cancer Syndrome; Hereditary neoplastic syndrome; Neoplastic Syndromes, Hereditary; Tumor predisposition. Identifiers: Orphanet 140162, MedGen C0027672, MeSH D009386, MONDO:0015356.

Submission:

Ambry Genetics
Classification: Uncertain significance for Hereditary cancer-predisposing syndrome. Last evaluated: 2022-09-12. Review status: criteria provided, single submitter. Criteria: Ambry Variant Classification Scheme 2023. Collection method: clinical testing. Allele origin: germline.
Comment: The p.A447P variant (also known as c.1339G>C), located in coding exon 7 of the RET gene, results from a G to C substitution at nucleotide position 1339. The alanine at codon 447 is replaced by proline, an amino acid with highly similar properties. This amino acid position is conserved. In addition, this alteration is predicted to be tolerated by in silico analysis. Since supporting evidence is limited at this time, the clinical significance of this alteration remains unclear.